The following is an entry in ClinVar:

NM_001384474.1(LOXHD1):c.4738A>T (p.Lys1580Ter)

Gene: LOXHD1 (lipoxygenase homology PLAT domains 1; minus strand). Cytogenetic location: 18q21.1.
Variant type: single nucleotide variant.
Coding change: c.4738A>T on transcript NM_001384474.1 (MANE Select); coding-DNA position 4738, A replaced by T.
Protein change: p.Lys1580Ter; replaces lysine 1580 with a stop codon.
Molecular consequence: nonsense.
Genome position (GRCh38, 1-based): chr18:46,524,710, T>A on the plus strand (A>T on the coding strand, the complement: LOXHD1 is on the minus strand). VCF-style: chr18-46524710-T-A. GRCh37 (hg19) VCF-style: chr18-44104673-T-A.
Other names: c.1405A>T, p.Lys469Ter (NM_001145472.3); c.1117A>T, p.Lys373Ter (NM_001308013.2); c.4738A>T, p.Lys1580Ter (NM_144612.7); short protein forms K1580*, K373*, K469*.
Identifiers: ClinVar variation 1725801 (VCV001725801.2), dbSNP rs2511612853, ClinGen allele CA402373114.

ClinVar aggregate classification (germline): Likely pathogenic (1 of 4 stars; one submission).

Conditions:
Autosomal recessive nonsyndromic hearing loss 77. Identifiers: Orphanet 90636, MedGen C2746083, MONDO:0013119, OMIM 613079.

Submission:

Myriad Genetics, Inc.
Classification: Likely pathogenic for Autosomal recessive nonsyndromic hearing loss 77. Last evaluated: 2022-04-01. Review status: criteria provided, single submitter. Criteria: Myriad Women's Health Autosomal Recessive and X-Linked Classification Criteria (2021). Collection method: clinical testing. Allele origin: unknown.
Comment: NM_144612.6(LOXHD1):c.4738A>T(K1580*) is expected to be pathogenic in the context of LOXHD1-related DFNB77 hearing loss and deafness. This variant is predicted to lead to an abnormal or absent protein product due to the creation of a premature termination codon in LOXHD1, a gene where loss-of-function variants are known to be pathogenic. Please note: this variant was assessed in the context of healthy population screening.